The following is an entry in ClinVar:

NM_024675.4(PALB2):c.3350+3A>G

Gene: PALB2 (partner and localizer of BRCA2; minus strand). Cytogenetic location: 16p12.2.
Variant type: single nucleotide variant.
Coding change: c.3350+3A>G on transcript NM_024675.4 (MANE Select); 3 bases into the intron after coding-DNA position 3350, A replaced by G.
Molecular consequence: intron variant.
Genome position (GRCh38, 1-based): chr16:23,607,861, T>C on the plus strand (A>G on the coding strand, the complement: PALB2 is on the minus strand). VCF-style: chr16-23607861-T-C. GRCh37 (hg19) VCF-style: chr16-23619182-T-C.
Other names: c.2229-4192A>G (NM_001407308.1, NM_001407309.1); c.2465+3A>G (NM_001407306.1, NM_001407305.1, NM_001407304.1); c.884+3A>G (NM_001407314.1); c.1414-4192A>G (NM_001407313.1); c.1562+3A>G (NM_001407312.1); c.3290+3A>G (NM_001407296.1); c.3278+3A>G (NM_001407297.1); c.3040-4192A>G (NM_001407302.1); and 6 more.
Identifiers: ClinVar variation 4130330 (VCV004130330.1).
Genomic context (GRCh38, chr16:23,607,861, plus strand): 5'-TTTGTGTTTGCACAGTGCCTTTCAGAATGTCCCACCCATAGAGTAGCAGTTATGCACACT[T>C]GCCTGCCAGCCTGCCCTGGAGGAAGACAGTACAGCATCACACCCACGCTGAGAGTCGTCT-3'

ClinVar aggregate classification (germline): Uncertain significance (1 of 4 stars; one submission).

Conditions:
Hereditary cancer-predisposing syndrome. Also called: Hereditary neoplastic syndrome; Neoplastic Syndromes, Hereditary; Tumor predisposition; Hereditary Cancer Syndrome. Identifiers: Orphanet 140162, MedGen C0027672, MeSH D009386, MONDO:0015356.

Submission:

Ambry Genetics
Classification: Uncertain significance for Hereditary cancer-predisposing syndrome. Last evaluated: 2025-07-28. Review status: criteria provided, single submitter. Criteria: Ambry Variant Classification Scheme 2023. Collection method: clinical testing. Allele origin: germline.
Comment: The c.3350+3A>G intronic variant results from an A to G substitution 3 nucleotides after coding exon 12 in the PALB2 gene. This nucleotide position is highly conserved in available vertebrate species. In silico splice site analysis for this alteration is inconclusive; however, direct evidence is insufficient at this time (Ambry internal data). Based on the available evidence, the clinical significance of this variant remains unclear.